The following is an entry in ClinVar:

ClinVar aggregate classification (germline): Uncertain significance. Review status: criteria provided, multiple submitters, no conflicts (2 of 4 stars). 2 submissions from 2 submitters: Uncertain significance (2). Last evaluated 2025-08-19.

Conditions:
Inborn genetic diseases. Identifiers: MedGen C0950123, MeSH D030342.
Curry-Hall syndrome (WAD). Also called: WEYERS ACRODENTAL DYSOSTOSIS. Identifiers: Orphanet 952, MedGen C0457013, MONDO:0008673, OMIM 193530.
Ellis-van Creveld syndrome (EVC). Also called: EVC-Related Ellis-van Creveld Syndrome; EVC2-Related Ellis-van Creveld Syndrome; Chondroectodermal dysplasia; MESOECTODERMAL DYSPLASIA. Identifiers: Orphanet 289, MedGen C0013903, MONDO:0009162, OMIM 225500.

Allele frequency attached by ClinVar (database versions not stated): gnomAD exomes below 0.00001 and 0.00003; gnomAD 0.00001; TOPMed 0.00001; ExAC 0.00006; 1000 Genomes Project 0.00020; 1000 Genomes Project 30x 0.00031.
gnomAD v4.1: 10 of 1,614,040 alleles (0.00062%); highest among the groups gnomAD compares: Admixed American, 0.0067%; no homozygotes.

Submissions (2):

Ambry Genetics
Classification: Uncertain significance for Inborn genetic diseases. Last evaluated: 2025-08-19. Review status: criteria provided, single submitter. Criteria: Ambry Variant Classification Scheme 2023. Collection method: clinical testing. Allele origin: germline.

Labcorp Genetics (formerly Invitae), Labcorp
Classification: Uncertain significance for Curry-Hall syndrome; Ellis-van Creveld syndrome. Last evaluated: 2024-10-18. Review status: criteria provided, single submitter. Criteria: Invitae Variant Classification Sherloc (09022015). Collection method: clinical testing. Allele origin: germline.
Comment: This sequence change replaces glycine, which is neutral and non-polar, with arginine, which is basic and polar, at codon 802 of the EVC2 protein (p.Gly802Arg). This variant is present in population databases (rs577020845, gnomAD 0.01%). This variant has not been reported in the literature in individuals affected with EVC2-related conditions. ClinVar contains an entry for this variant (Variation ID: 1026127). An algorithm developed to predict the effect of missense changes on protein structure and function outputs the following: PolyPhen-2: "Benign". The arginine amino acid residue is found in multiple mammalian species, which suggests that this missense change does not adversely affect protein function. In summary, the available evidence is currently insufficient to determine the role of this variant in disease. Therefore, it has been classified as a Variant of Uncertain Significance.

NM_147127.5(EVC2):c.2404G>C (p.Gly802Arg)

Gene: EVC2 (EvC ciliary complex subunit 2; minus strand). Cytogenetic location: 4p16.2.
Variant type: single nucleotide variant.
Coding change: c.2404G>C on transcript NM_147127.5 (MANE Select); coding-DNA position 2404, G replaced by C.
Protein change: p.Gly802Arg; replaces glycine 802 with arginine.
Molecular consequence: missense variant.
Genome position (GRCh38, 1-based): chr4:5,622,634, C>G on the plus strand (G>C on the coding strand, the complement: EVC2 is on the minus strand). VCF-style: chr4-5622634-C-G. GRCh37 (hg19) VCF-style: chr4-5624361-C-G.
Other names: c.2404G>C (NM_147127.4); c.2164G>C, p.Gly722Arg (NM_001166136.2); short protein forms G722R, G802R.
Identifiers: ClinVar variation 1026127 (VCV001026127.9), dbSNP rs577020845, ClinGen allele CA2834732.